The following is an entry in ClinVar:

NM_005188.4(CBL):c.1085A>G (p.Lys362Arg)

Gene: CBL (Cbl proto-oncogene; plus strand). Cytogenetic location: 11q23.3.
Variant type: single nucleotide variant.
Coding change: c.1085A>G on transcript NM_005188.4 (MANE Select); coding-DNA position 1085, A replaced by G.
Protein change: p.Lys362Arg; replaces lysine 362 with arginine.
Molecular consequence: missense variant.
Genome position (GRCh38, 1-based): chr11:119,277,834, A>G. VCF-style: chr11-119277834-A-G. GRCh37 (hg19) VCF-style: chr11-119148544-A-G.
Other names: short protein forms K362R.
Identifiers: ClinVar variation 3692241 (VCV003692241.2).
Genomic context (GRCh38, chr11:119,277,834, plus strand): 5'-GACGAAATCAGAATCCTGATCTGACTGGCTTATGTGAACCAACTCCCCAAGACCATATCA[A>G]AGTGACCCAGGTGAGTTTTGTTTCACATGATAACCATATCACTGGACACAAGCTTTAGTA-3'
Protein context (NP_005179.2, residues 352-372): LCEPTPQDHI[Lys362Arg]VTQEQYELYC

ClinVar aggregate classification (germline): Uncertain significance (1 of 4 stars; one submission).

Conditions:
RASopathy. Also called: rasopathies; Noonan spectrum disorder. Identifiers: Orphanet 536391, MedGen C5555857, MONDO:0021060.

Submission:

Labcorp Genetics (formerly Invitae), Labcorp
Classification: Uncertain significance for RASopathy. Last evaluated: 2025-03-25. Review status: criteria provided, single submitter. Criteria: Invitae Variant Classification Sherloc (09022015). Collection method: clinical testing. Allele origin: germline.
Comment: This sequence change replaces lysine, which is basic and polar, with arginine, which is basic and polar, at codon 362 of the CBL protein (p.Lys362Arg). This variant is not present in population databases (gnomAD no frequency). This variant has not been reported in the literature in individuals affected with CBL-related conditions. Invitae Evidence Modeling of protein sequence and biophysical properties (such as structural, functional, and spatial information, amino acid conservation, physicochemical variation, residue mobility, and thermodynamic stability) indicates that this missense variant is not expected to disrupt CBL protein function with a negative predictive value of 95%. In summary, the available evidence is currently insufficient to determine the role of this variant in disease. Therefore, it has been classified as a Variant of Uncertain Significance.